The following continues an entry in ClinVar:

NM_000051.4(ATM):c.5185G>C (p.Val1729Leu)

Gene: ATM. ClinVar aggregate classification (germline): Conflicting classifications of pathogenicity. Uncertain significance (13); Likely benign (6).

Submissions 12 to 28 of 28:

Molecular Diagnostics Laboratory, Catalan Institute of Oncology
Classification: Uncertain significance for Hereditary cancer-predisposing syndrome. Last evaluated: 2024-09-04. Review status: criteria provided, single submitter. Criteria: ClinGen ACMG Specifications ATM V1.1.0. Collection method: clinical testing. Allele origin: germline.
Comment: PP1_Moderate c.5185G>C, located in exon 35 of the ATM gene, is predicted to result in the substitution of valine by leucine at codon 1729, p.(Val1729Leu). This variant is found in 27/267992 alleles at a frequency of 0.01% in the gnomAD v2.1.1 database, non-cancer dataset. The SpliceAI algorithm predicts no significant impact on splicing. The REVEL meta-predictor score for this variant (0.405) is ambiguous regarding protein function. To our knowledge, no well-stablished functional studies have been reported for this variant. It has been reported in 3 A-T patients with confident diagnosis, in two of them it was confirmed in trans (PMID: 33779842, 17124347) (PP1_Moderate). It has also been reported in cancer-affected patients (28640387, 28652578, 33203166). This variant has been reported in the ClinVar database (6x likely benign, 14x uncertain significance) and in the LOVD database (1x likely benign, 4x uncertain significance). Based on currently available information, the variant c.5185G>C should be considered an uncertain significance variant.

Myriad Genetics, Inc.
Classification: Likely benign for Familial cancer of breast. Last evaluated: 2024-05-22. Review status: criteria provided, single submitter. Criteria: Myriad Autosomal Dominant, Autosomal Recessive and X-Linked Classification Criteria (2023). Collection method: clinical testing. Allele origin: unknown.
Comment: This variant is considered likely benign. This variant is strongly associated with less severe personal and family histories of cancer, typical for individuals without pathogenic variants in this gene [PMID: 25085752].

Mendelics
Classification: Likely benign for Ataxia-telangiectasia syndrome. Last evaluated: 2024-04-09. Review status: criteria provided, single submitter. Criteria: ACMG Guidelines, 2015. Collection method: clinical testing. Allele origin: unknown.

Hereditary Cancer Laboratory, Hospital Universitario 12 de Octubre
Classification: Uncertain significance for Hereditary cancer-predisposing syndrome. Last evaluated: 2024-02-26. Review status: criteria provided, single submitter. Criteria: ACMG Guidelines, 2015. Collection method: clinical testing. Allele origin: germline.
Comment: PM2+BP4

Sema4
Classification: Likely benign for Hereditary cancer-predisposing syndrome. Last evaluated: 2021-01-08. Review status: criteria provided, single submitter. Criteria: Sema4 Curation Guidelines. Collection method: curation. Allele origin: germline.

Institute of Human Genetics, University of Leipzig Medical Center
Classification: Uncertain significance for Familial cancer of breast. Last evaluated: 2019-01-01. Review status: criteria provided, single submitter. Criteria: ACMG Guidelines, 2015. Collection method: clinical testing. Allele origin: unknown. Affected: yes.

Ambry Genetics
Classification: Likely benign for Hereditary cancer-predisposing syndrome. Last evaluated: 2018-09-28. Review status: criteria provided, single submitter. Criteria: Ambry Variant Classification Scheme 2023. Collection method: clinical testing. Allele origin: germline.

Color Diagnostics, LLC DBA Color Health
Classification: Likely benign for Hereditary cancer-predisposing syndrome. Last evaluated: 2016-11-04. Review status: criteria provided, single submitter. Criteria: ACMG Guidelines, 2015. Collection method: clinical testing. Allele origin: germline.

PreventionGenetics, part of Exact Sciences
Classification: Uncertain significance for ATM-related condition. Last evaluated: 2024-05-02. Review status: no assertion criteria provided. Collection method: clinical testing. Allele origin: germline. Not counted in ClinVar's aggregate classification.
Comment: The ATM c.5185G>C variant is predicted to result in the amino acid substitution p.Val1729Leu. This variant was identified in the lymphoblastoid cell line of an individual affected with ataxia telangiectasia (Table 4, Magliozzi et al. 2006. PubMed ID: 17124347). Additionally, this variant has been reported in the homozygous state in an individual with cerebellar ataxia; however, that individual also had a homozygous pathogenic variant in ATM, suggesting this variant is less likely to be a primary cause of disease (Table e2 - Coutelier et al. 2018. PubMed ID: 29482223). This variant was also identified in at least two presumably healthy individuals (Thorstenson et al. 2001. PubMed ID: 11443540; Table S2, Tavtigian et al. 2009. PubMed ID: 19781682). This variant has been observed in ~0.1% of individuals in a population database and is reported in ClinVar with conflicting interpretations including likely benign and uncertain. At this time, the clinical significance of this variant is uncertain due to the absence of conclusive functional and genetic evidence.

Genetic Services Laboratory, University of Chicago
Classification: Uncertain significance. Last evaluated: 2022-07-14. Review status: no assertion criteria provided. Collection method: clinical testing. Allele origin: germline. Affected: no. Not counted in ClinVar's aggregate classification.
Comment: DNA sequence analysis of the ATM gene demonstrated a sequence change, c.5185G>C, in exon 35 that results in an amino acid change, p.Val1729Leu. This sequence change has been described in the gnomAD database with a frequency of 0.017% in the Latino subpopulation (dbSNP rs3092907). The p.Val1729Leu change affects a moderately conserved amino acid residue located in a domain of the ATM protein that is known to be functional. In-silico pathogenicity prediction tools (SIFT, PolyPhen2, Align GVGD, REVEL) provide contradictory results for the p.Val1729Leu substitution. This sequence change has been reported in one individual with breast cancer (PMID: 30303537). It has also been detected in the homozygous state in one individual with a metabolic presentation ataxia (PMID: 29482223) and in trans with a pathogenic variant in a family with ataxia telangiectasia (PMID: 33779842). Due to insufficient evidences and the lack of functional studies, the clinical significance of the p.Val1729Leu change remains unknown at this time.

Institute for Biomarker Research, Medical Diagnostic Laboratories, L.L.C.
Classification: Uncertain significance for Hereditary cancer-predisposing syndrome. Last evaluated: 2022-03-10. Review status: no assertion criteria provided. Collection method: clinical testing. Allele origin: germline. Not counted in ClinVar's aggregate classification.

True Health Diagnostics
Classification: Uncertain significance for Hereditary cancer-predisposing syndrome. Last evaluated: 2018-02-23. Review status: no assertion criteria provided. Collection method: clinical testing. Allele origin: germline. Not counted in ClinVar's aggregate classification.

Clinical Genetics DNA and cytogenetics Diagnostics Lab, Erasmus MC, Erasmus Medical Center
Classification: Uncertain significance. Review status: no assertion criteria provided. Collection method: clinical testing. Allele origin: germline. Affected: yes. Study: VKGL Data-share Consensus. Not counted in ClinVar's aggregate classification.

Clinical Genetics Laboratory, Department of Pathology, Netherlands Cancer Institute
Classification: Uncertain significance. Review status: no assertion criteria provided. Collection method: clinical testing. Allele origin: germline. Affected: yes. Study: VKGL Data-share Consensus. Not counted in ClinVar's aggregate classification.

Department of Pathology and Laboratory Medicine, Sinai Health System
Classification: Uncertain significance. Review status: no assertion criteria provided. Collection method: clinical testing. Allele origin: unknown. Affected: yes. Study: The Canadian Open Genetics Repository (COGR). Not counted in ClinVar's aggregate classification.
Comment: The ATM p.Val1729Leu variant was identified in 3 of 9436 proband chromosomes (frequency: 0.0003) from individuals or families with cerebellar ataxia, Ataxia telangiectasia, and colorectal cancer, and was present in 2 of 4676 control chromosomes (frequency: 0.0004) from healthy individuals (Coutelier 2018, Magliozzi 2006, Ricker 2017, Tavtigian 2009, Thorstenson 2001). The variant was also identified in the following databases: dbSNP (ID: rs3092907) as "With Uncertain significance allele", ClinVar (1x likely benign, 3x uncertain significance), and Clinvitae. The variant was not identified in COGR, Cosmic, MutDB, LOVD 3.0, or ATM-LOVD. The variant was identified in control databases in 28 of 276848 chromosomes at a frequency of 0.0001 (Genome Aggregation Database Feb 27, 2017). It was observed in the following populations: Other in 6 of 6458 chromosomes (freq: 0.0009), Latino in 6 of 34416 chromosomes (freq: 0.0002), and European in 16 of 126392 chromosomes (freq: 0.0001); it was not observed in the African, Ashkenazi Jewish, East Asian, Finnish, and South Asian populations. Multiple studies list this variant as a polymorphism and one study found this variant co-occurring with the ATM homozygous pathogenic variant c.9022C>T (p.R3008C) (Magliozzi 2006, Thorstenson 2001, Coutelier 2018), increasing the likelihood this variant may not have clinical significance. The p.Val1729 residue is not conserved in mammals and computational analyses (PolyPhen-2, SIFT, AlignGVGD, BLOSUM, MutationTaster) provide inconsistent predictions regarding the impact to the protein; this information is not very predictive of pathogenicity. The variant occurs outside of the splicing consensus sequence and 1 of 5 in silico or computational prediction software programs (SpliceSiteFinder, MaxEntScan, NNSPLICE, GeneSplicer, HumanSpliceFinder) predict a greater than 10% difference in splicing; this is not very predictive of pathogenicity. In summary, based on the above information the clinical significance of this variant cannot be determined with certainty at this time. This variant is classified as a variant of uncertain significance.

Diagnostic Laboratory, Department of Genetics, University Medical Center Groningen
Classification: Uncertain significance. Review status: no assertion criteria provided. Collection method: clinical testing. Allele origin: germline. Affected: yes. Study: VKGL Data-share Consensus. Not counted in ClinVar's aggregate classification.

Joint Genome Diagnostic Labs from Nijmegen and Maastricht, Radboudumc and MUMC+
Classification: Uncertain significance. Review status: no assertion criteria provided. Collection method: clinical testing. Allele origin: germline. Affected: yes. Study: VKGL Data-share Consensus. Not counted in ClinVar's aggregate classification.

Literature cited by the submitters: PubMed 17124347 (cited by 4 submitters); PubMed 11443540 (cited by Women's Health and Genetics/Laboratory Corporation of America, LabCorp and Sema4); PubMed 19781682 (cited by 4 submitters); PubMed 22529920 (cited by Women's Health and Genetics/Laboratory Corporation of America, LabCorp); PubMed 33436325 (cited by 3 submitters); PubMed 35264596 (cited by 3 submitters); PubMed 35980532 (cited by 3 submitters); PubMed 33779842 (cited by 5 submitters); PubMed 39256447 (cited by 3 submitters); PubMed 30303537 (cited by 4 submitters); PubMed 28640387 (cited by Athena Diagnostics and Quest Diagnostics Nichols Institute San Juan Capistrano); PubMed 28652578 (cited by Athena Diagnostics and Quest Diagnostics Nichols Institute San Juan Capistrano); PubMed 29522266 (cited by Athena Diagnostics and Quest Diagnostics Nichols Institute San Juan Capistrano); PubMed 29684080 (cited by Athena Diagnostics and Quest Diagnostics Nichols Institute San Juan Capistrano); PubMed 33471991 (cited by Athena Diagnostics and Quest Diagnostics Nichols Institute San Juan Capistrano); PubMed 32522261 (cited by Athena Diagnostics and Quest Diagnostics Nichols Institute San Juan Capistrano); PubMed 29482223 (cited by 3 submitters); PubMed 35534704 (cited by Athena Diagnostics and Quest Diagnostics Nichols Institute San Juan Capistrano); PubMed 37529773 (cited by Athena Diagnostics and Quest Diagnostics Nichols Institute San Juan Capistrano); PubMed 25085752 (cited by Myriad Genetics, Inc.).